The following is an entry in ClinVar:

NM_001401501.2(MUC16):c.39282C>A (p.Gly13094=)

Gene: MUC16 (mucin 16, cell surface associated; minus strand). Cytogenetic location: 19p13.2.
Variant type: single nucleotide variant.
Coding change: c.39282C>A on transcript NM_001401501.2 (MANE Select); coding-DNA position 39282, C replaced by A.
Protein change: p.Gly13094=; no amino-acid change (glycine 13094 retained).
Molecular consequence: synonymous variant.
Genome position (GRCh38, 1-based): chr19:8,898,954, G>T on the plus strand (C>A on the coding strand, the complement: MUC16 is on the minus strand). VCF-style: chr19-8898954-G-T. GRCh37 (hg19) VCF-style: chr19-9009630-G-T.
Other names: c.39708C>A, p.Gly13236= (NM_001414686.1); c.39162C>A, p.Gly13054= (NM_001414687.1); c.39096C>A, p.Gly13032= (NM_024690.2).
Identifiers: ClinVar variation 3059770 (VCV003059770.2), dbSNP rs796641172, ClinGen allele CA305080964.
Genomic context (GRCh38, chr19:8,898,954, plus strand): 5'-GGAGGGCAGGGCACTAACCAGACCCTGCAGGACCCTCTCTGTGGTGTTGAACTTCCTGGA[G>T]CCAGGGTGACGCATGTCCTCCCCATACTGCAGATTGGTGATGGTAAAGTTGAGGGTGAAC-3'
Protein context (NP_001388430.1, residues 13084-13104): LQYGEDMRHP[Gly13094=]SRKFNTTERV

ClinVar aggregate classification (germline): Likely benign (0 of 4 stars; one submission).

Conditions:
MUC16-related disorder. Also called: MUC16-related condition.

Allele frequency attached by ClinVar (database versions not stated): 1000 Genomes Project 30x 0.32402.

Submission:

PreventionGenetics, part of Exact Sciences
Classification: Likely benign for MUC16-related condition. Last evaluated: 2019-09-24. Review status: no assertion criteria provided. Collection method: clinical testing. Allele origin: germline.
Comment: This variant is classified as likely benign based on ACMG/AMP sequence variant interpretation guidelines (Richards et al. 2015 PMID: 25741868, with internal and published modifications).